The following is an entry in ClinVar:

NM_001374385.1(ATP8B1):c.2822G>A (p.Arg941Gln)

Genes: ATP8B1 (ATPase phospholipid transporting 8B1; minus strand), ATP8B1-AS1 (ATP8B1 antisense RNA 1; plus strand). Cytogenetic location: 18q21.31.
Variant type: single nucleotide variant.
Coding change: c.2822G>A on transcript NM_001374385.1 (MANE Select); coding-DNA position 2822, G replaced by A.
Protein change: p.Arg941Gln; replaces arginine 941 with glutamine.
Molecular consequence: missense variant.
Genome position (GRCh38, 1-based): chr18:57,655,303, C>T on the plus strand (G>A on the coding strand, the complement: ATP8B1 is on the minus strand). VCF-style: chr18-57655303-C-T. GRCh37 (hg19) VCF-style: chr18-55322535-C-T.
Other names: c.2672G>A, p.Arg891Gln (NM_001374386.1); c.2822G>A, p.Arg941Gln (NM_005603.6); short protein forms R891Q, R941Q.
Identifiers: ClinVar variation 4846279 (VCV004846279.3).

ClinVar aggregate classification (germline): Conflicting classifications of pathogenicity. Review status: criteria provided, conflicting classifications (1 of 4 stars). 2 submissions from 2 submitters: Likely pathogenic (1); Uncertain significance (1). Last evaluated 2026-04-14.

Conditions:
Progressive familial intrahepatic cholestasis type 1. Also called: Severe ATP8B1 Deficiency (Progressive Familial Intrahepatic Cholestasis Type 1 [PFIC1]); BYLER DISEASE; Byler's disease. Identifiers: Orphanet 79306, MedGen C4551898, MONDO:0008892, OMIM 211600.
Cholestasis, intrahepatic, of pregnancy, 1 (ICP1). Also called: CHOLESTASIS, PREGNANCY-RELATED, 1. Identifiers: Orphanet 69665, MedGen C3549845, MONDO:0007829, OMIM 147480.
Benign recurrent intrahepatic cholestasis type 1. Also called: SUMMERSKILL SYNDROME; Mild-to-Moderate ATP8B1 Deficiency (Benign Recurrent Intrahepatic Cholestasis 1 [BRIC1]). Identifiers: Orphanet 65682, Orphanet 99960, MedGen C4551899, MONDO:0009469, OMIM 243300.
Familial intrahepatic cholestasis. Identifiers: Orphanet 284385, MedGen CN296401, MONDO:0017290.

gnomAD v4.1: 15 of 1,614,092 alleles (0.00093%); highest among the groups gnomAD compares: African/African-American, 0.0013%; no homozygotes.

Submissions (2):

Genomenon, Inc
Classification: Uncertain significance for Familial intrahepatic cholestasis. Last evaluated: 2026-04-14. Review status: criteria provided, single submitter. Criteria: Genomenon Sequence Variant Interpretation Standards - Updated. Collection method: curation. Allele origin: germline. Affected: yes.
Comment: ATP8B1 p.Arg941Gln (c.2822G>A) is a missense variant that changes the amino acid at residue 941 from Arginine to Glutamine. This variant has been observed in at least one proband with features of ATP8B1-deficiency (PMID:34278601). It is absent or not present at a significant frequency in gnomAD. In silico models predict that this variant is possibly or probably damaging. In conclusion, we classify ATP8B1 p.Arg941Gln (c.2822G>A) as a variant of uncertain significance.

Juno Genomics, Hangzhou Juno Genomics, Inc
Classification: Likely pathogenic for Benign recurrent intrahepatic cholestasis type 1; Cholestasis, intrahepatic, of pregnancy, 1; Progressive familial intrahepatic cholestasis type 1. Review status: criteria provided, single submitter. Criteria: ACMG Guidelines, 2015. Collection method: clinical testing. Allele origin: germline.
Comment: Absent from controls (or at extremely low frequency if recessive) in Genome Aggregation Database.;Missense variant in a gene that has a low rate of benign missense variation.;Multiple lines of computational evidence support a deleterious effect on the gene or gene product.;For recessive disorders, detected in trans with a pathogenic variant.;Patient's phenotype or family history is highly specific for a disease with a single genetic etiology.

Literature cited by the submitters: PubMed 34278601 (cited by Genomenon, Inc).